The following is an entry in ClinVar:

ClinVar aggregate classification (germline): Likely benign (0 of 4 stars; one submission).

Conditions:
CHEK1-related disorder. Also called: CHEK1-related condition.

Allele frequency attached by ClinVar (database versions not stated): gnomAD exomes below 0.00001.

Submission:

PreventionGenetics, part of Exact Sciences
Classification: Likely benign for CHEK1-related condition. Last evaluated: 2022-06-15. Review status: no assertion criteria provided. Collection method: clinical testing. Allele origin: germline.
Comment: This variant is classified as likely benign based on ACMG/AMP sequence variant interpretation guidelines (Richards et al. 2015 PMID: 25741868, with internal and published modifications).

NM_001114122.3(CHEK1):c.814+7del

Gene: CHEK1 (checkpoint kinase 1; plus strand). Cytogenetic location: 11q24.2.
Variant type: Deletion.
Coding change: c.814+7del on transcript NM_001114122.3 (MANE Select); 7 bases into the intron after coding-DNA position 814, one base deleted (T; older notation c.814+7delT).
Molecular consequence: intron variant.
Genome position (GRCh38, 1-based): chr11:125,637,551, T deleted. VCF-style (leftmost placement, unchanged base first): chr11-125637550-AT-A. GRCh37 (hg19) VCF-style: chr11-125507445-AT-A.
Other names: c.814+7del (NM_001114121.2, NM_001244846.1, NM_001274.5); c.511+7del (NM_001330427.2); c.532+7del (NM_001330428.1).
Identifiers: ClinVar variation 3054384 (VCV003054384.2), dbSNP rs2498318527, ClinGen allele CA2575019971.
Genomic context (GRCh38, chr11:125,637,550, plus strand): 5'-ATTACCATTCCAGACATCAAAAAAGATAGATGGTACAACAAACCCCTCAAGAAAGGTAAT[AT>A]CCTTAAACTACAAGTTTGTTTGTTTTTCTGTGGAAGAAAAGGTAATTGCAAAGTTATTAT-3'